The following is an entry in ClinVar:

NM_001002755.4(NFU1):c.49G>C (p.Gly17Arg)

Genes: NFU1 (NFU1 iron-sulfur cluster scaffold; minus strand), LOC129934004 (ATAC-STARR-seq lymphoblastoid active region 15971; plus strand). Cytogenetic location: 2p13.3.
Variant type: single nucleotide variant.
Coding change: c.49G>C on transcript NM_001002755.4 (MANE Select); coding-DNA position 49, G replaced by C.
Protein change: p.Gly17Arg; replaces glycine 17 with arginine.
Molecular consequence: missense variant. On other transcripts: 5 prime UTR variant (2), non-coding transcript variant (2), intron variant (1).
Genome position (GRCh38, 1-based): chr2:69,437,374, C>G on the plus strand (G>C on the coding strand, the complement: NFU1 is on the minus strand). VCF-style: chr2-69437374-C-G. GRCh37 (hg19) VCF-style: chr2-69664506-C-G.
Other names: c.-329G>C (NM_001002756.2); c.-114G>C (NM_015700.4); c.-11+679G>C (NM_001374284.1); c.49G>C (NM_001002755.2); short protein forms G17R.
Identifiers: ClinVar variation 3299568 (VCV003299568.2).

ClinVar aggregate classification (germline): Uncertain significance. Review status: criteria provided, multiple submitters, no conflicts (2 of 4 stars). 2 submissions from 2 submitters: Uncertain significance (2). Last evaluated 2025-04-21.

Conditions:
Inborn genetic diseases. Identifiers: MedGen C0950123, MeSH D030342.

gnomAD v4.1: 29 of 1,608,380 alleles (0.0018%); highest among the groups gnomAD compares: African/African-American, 0.035%; no homozygotes.

Submissions (2):

GeneDx
Classification: Uncertain significance. Last evaluated: 2025-04-21. Review status: criteria provided, single submitter. Criteria: GeneDx Variant Classification Process June 2021. Collection method: clinical testing. Allele origin: germline. Affected: yes.
Comment: Not observed at significant frequency in large population cohorts (gnomAD); In silico analysis indicates that this missense variant does not alter protein structure/function; Has not been previously published as pathogenic or benign to our knowledge

Ambry Genetics
Classification: Uncertain significance for Inborn genetic diseases. Last evaluated: 2024-04-06. Review status: criteria provided, single submitter. Criteria: Ambry Variant Classification Scheme 2023. Collection method: clinical testing. Allele origin: germline.